The following is an entry in ClinVar:

ClinVar aggregate classification (germline): Uncertain significance (1 of 4 stars; one submission).

gnomAD v4.1: 5 of 1,613,840 alleles (0.00031%); highest among the groups gnomAD compares: African/African-American, 0.0027%; no homozygotes.

Submission:

GeneDx
Classification: Uncertain significance. Last evaluated: 2026-03-10. Review status: criteria provided, single submitter. Criteria: GeneDx Variant Classification Process June 2021. Collection method: clinical testing. Allele origin: germline.
Comment: Not observed at significant frequency in large population cohorts (gnomAD); In silico analysis supports that this missense variant has a deleterious effect on protein structure/function; Has not been previously published as pathogenic or benign to our knowledge

NM_022124.6(CDH23):c.2546A>G (p.Glu849Gly)

Gene: CDH23 (cadherin related 23; plus strand). Cytogenetic location: 10q22.1.
Variant type: single nucleotide variant.
Coding change: c.2546A>G on transcript NM_022124.6 (MANE Select); coding-DNA position 2546, A replaced by G.
Protein change: p.Glu849Gly; replaces glutamic acid 849 with glycine.
Molecular consequence: missense variant.
Genome position (GRCh38, 1-based): chr10:71,702,170, A>G. VCF-style: chr10-71702170-A-G. GRCh37 (hg19) VCF-style: chr10-73461927-A-G.
Other names: c.2546A>G, p.Glu849Gly (NM_001171930.2, NM_001171931.2); short protein forms E849G.
Identifiers: ClinVar variation 5009623 (VCV005009623.1).
Genomic context (GRCh38, chr10:71,702,170, plus strand): 5'-CCACGGGCAAGATCCGCACCACCCACGCCATGCTGGACCGGGAGAACCCCGACCCCCATG[A>G]GGCCGAGCTGATGCGCAAAATCGTCGTCTCTGTTACTGACTGTATGGACCCCTCTCGCCC-3'
Protein context (NP_071407.4, residues 839-859): MLDRENPDPH[Glu849Gly]AELMRKIVVS